The following is an entry in ClinVar:

NM_001080477.4(TENM3):c.6605C>T (p.Thr2202Met)

Gene: TENM3 (teneurin transmembrane protein 3; plus strand). Cytogenetic location: 4q35.1.
Variant type: single nucleotide variant.
Coding change: c.6605C>T on transcript NM_001080477.4 (MANE Select); coding-DNA position 6605, C replaced by T.
Protein change: p.Thr2202Met; replaces threonine 2202 with methionine.
Molecular consequence: missense variant.
Genome position (GRCh38, 1-based): chr4:182,793,277, C>T. VCF-style: chr4-182793277-C-T. GRCh37 (hg19) VCF-style: chr4-183714430-C-T.
Other names: c.5837C>T, p.Thr1946Met (NM_001415960.1); c.5810C>T, p.Thr1937Met (NM_001415961.1); c.5807C>T, p.Thr1936Met (NM_001415962.1); c.5789C>T, p.Thr1930Met (NM_001415963.1); c.5786C>T, p.Thr1929Met (NM_001415964.1); c.6323C>T, p.Thr2108Met (NM_001415966.1); c.6347C>T, p.Thr2116Met (NM_001415967.1); c.6623C>T, p.Thr2208Met (NM_001415968.1); and 4 more; short protein forms T1929M, T1930M, T1936M, T1937M, T1946M, T2108M, T2109M, T2116M.
Identifiers: ClinVar variation 2500694 (VCV002500694.4), dbSNP rs146065963, ClinGen allele CA3148825.

ClinVar aggregate classification (germline): Uncertain significance. Review status: criteria provided, multiple submitters, no conflicts (2 of 4 stars). 3 submissions from 3 submitters: Uncertain significance (3). Last evaluated 2025-08-14.

Conditions:
Microphthalmia, isolated, with coloboma 9 (MCOPCB9). Identifiers: Orphanet 98938, MedGen C3554592, MONDO:0014059, OMIM 615145.
TENM3-related disorder. Also called: TENM3-related condition.
Inborn genetic diseases. Identifiers: MedGen C0950123, MeSH D030342.

Allele frequency attached by ClinVar (database versions not stated): ExAC 0.00007; 1000 Genomes Project 30x 0.00031; 1000 Genomes Project 0.00040.
gnomAD v4.1: 201 of 1,613,790 alleles (0.012%); highest among the groups gnomAD compares: Admixed American, 0.018%; no homozygotes.

Submissions (3):

PreventionGenetics, part of Exact Sciences
Classification: Uncertain significance for TENM3-related condition. Last evaluated: 2025-08-14. Review status: criteria provided, single submitter. Criteria: ACMG Guidelines, 2015. Collection method: clinical testing. Allele origin: germline.
Comment: The TENM3 c.6605C>T variant is predicted to result in the amino acid substitution p.Thr2202Met. To our knowledge, this variant has not been reported in the literature. This variant is reported in 0.028% of alleles in individuals of Latino descent in gnomAD. At this time, the clinical significance of this variant is uncertain due to the absence of conclusive functional and genetic evidence.

Ambry Genetics
Classification: Uncertain significance for Inborn genetic diseases. Last evaluated: 2023-12-22. Review status: criteria provided, single submitter. Criteria: Ambry Variant Classification Scheme 2023. Collection method: clinical testing. Allele origin: germline.

Victorian Clinical Genetics Services, Murdoch Childrens Research Institute
Classification: Uncertain significance for Microphthalmia, isolated, with coloboma 9. Last evaluated: 2021-05-06. Review status: criteria provided, single submitter. Criteria: ACMG Guidelines, 2015. Collection method: clinical testing. Allele origin: germline. Inheritance: Autosomal recessive inheritance. Affected: yes.
Comment: Based on the classification scheme VCGS_Germline_v1.3.4, this variant is classified as VUS-3A. Following criteria are met: 0102 - Loss of function is a known mechanism of disease in this gene and is associated with syndromic microphthalmia 15 (MIM# 615145). (I) 0106 - This gene is associated with autosomal recessive disease. (I) 0200 - Variant is predicted to result in a missense amino acid change from threonine to methionine. (I) 0251 - This variant is heterozygous. (I) 0304 - Variant is present in gnomAD (v2) <0.01 for a recessive condition (32 heterozygotes, 0 homozygotes). (SP) 0309 - An alternative amino acid change at the same position has been observed in gnomAD (v2) (5 heterozygotes, 0 homozygotes). (I) 0502 - Missense variant with conflicting in silico predictions and uninformative conservation. (I) 0600 - Variant is located in the annotated C-terminal globular domain (PMID: 30513139). (I) 0705 - No comparable missense variants have previous evidence for pathogenicity. (I) 0807 - This variant has no previous evidence of pathogenicity. (I) 0905 - No published segregation evidence has been identified for this variant. (I) 1007 - No published functional evidence has been identified for this variant. (I) Legend: (SP) - Supporting pathogenic, (I) - Information, (SB) - Supporting benign

Literature cited by the submitters: PubMed 30513139 (cited by Victorian Clinical Genetics Services, Murdoch Childrens Research Institute).